The following is an entry in ClinVar:

ClinVar aggregate classification (germline): Uncertain significance. Review status: criteria provided, multiple submitters, no conflicts (2 of 4 stars). 3 submissions from 3 submitters: Uncertain significance (3). Last evaluated 2024-10-11.

Conditions:
Inborn genetic diseases. Identifiers: MedGen C0950123, MeSH D030342.

Allele frequency attached by ClinVar (database versions not stated): gnomAD 0.00003; TOPMed 0.00008; ESP Exome Variant Server 0.00023.
gnomAD v4.1: 147 of 1,613,888 alleles (0.0091%); highest among the groups gnomAD compares: Middle Eastern, 0.017%; no homozygotes.

Submissions (3):

Ambry Genetics
Classification: Uncertain significance for Inborn genetic diseases. Last evaluated: 2024-10-11. Review status: criteria provided, single submitter. Criteria: Ambry Variant Classification Scheme 2023. Collection method: clinical testing. Allele origin: germline.

Blueprint Genetics
Classification: Uncertain significance. Last evaluated: 2024-09-30. Review status: criteria provided, single submitter. Criteria: ACMG Guidelines, 2015. Collection method: clinical testing. Allele origin: germline.

Labcorp Genetics (formerly Invitae), Labcorp
Classification: Uncertain significance. Last evaluated: 2023-12-04. Review status: criteria provided, single submitter. Criteria: Invitae Variant Classification Sherloc (09022015). Collection method: clinical testing. Allele origin: germline.
Comment: This sequence change replaces arginine, which is basic and polar, with tryptophan, which is neutral and slightly polar, at codon 477 of the P3H2 protein (p.Arg477Trp). This variant is present in population databases (rs201266004, gnomAD 0.01%). This variant has not been reported in the literature in individuals affected with P3H2-related conditions. ClinVar contains an entry for this variant (Variation ID: 839089). Advanced modeling of protein sequence and biophysical properties (such as structural, functional, and spatial information, amino acid conservation, physicochemical variation, residue mobility, and thermodynamic stability) performed at Invitae indicates that this missense variant is not expected to disrupt P3H2 protein function with a negative predictive value of 80%. In summary, the available evidence is currently insufficient to determine the role of this variant in disease. Therefore, it has been classified as a Variant of Uncertain Significance.

NM_018192.4(P3H2):c.1429C>T (p.Arg477Trp)

Gene: P3H2 (prolyl 3-hydroxylase 2; minus strand). Cytogenetic location: 3q28.
Variant type: single nucleotide variant.
Coding change: c.1429C>T on transcript NM_018192.4 (MANE Select); coding-DNA position 1429, C replaced by T.
Protein change: p.Arg477Trp; replaces arginine 477 with tryptophan.
Molecular consequence: missense variant.
Genome position (GRCh38, 1-based): chr3:189,974,581, G>A on the plus strand (C>T on the coding strand, the complement: P3H2 is on the minus strand). VCF-style: chr3-189974581-G-A. GRCh37 (hg19) VCF-style: chr3-189692370-G-A.
Other names: c.886C>T, p.Arg296Trp (NM_001134418.2); short protein forms R477W, R296W.
Identifiers: ClinVar variation 839089 (VCV000839089.6), dbSNP rs201266004, ClinGen allele CA2752931.